The following is an entry in ClinVar:

ClinVar aggregate classification (germline): Likely benign. Review status: criteria provided, multiple submitters, no conflicts (2 of 4 stars). 4 submissions from 4 submitters: Likely benign (3). 1 of the submissions does not count toward it. Last evaluated 2023-05-01.

Conditions:
NOS1-related disorder. Also called: NOS1-related condition.

Allele frequency attached by ClinVar (database versions not stated): 1000 Genomes Project 30x 0.00125; 1000 Genomes Project 0.00140; TOPMed 0.00380; ESP Exome Variant Server 0.00382; gnomAD 0.00400 and 0.00417; ExAC 0.00427; gnomAD exomes 0.00440 and 0.00530.

Submissions (4):

CeGaT Center for Human Genetics Tuebingen
Classification: Likely benign. Last evaluated: 2023-05-01. Review status: criteria provided, single submitter. Criteria: CeGaT Center For Human Genetics Tuebingen Variant Classification Criteria Version 2. Collection method: clinical testing. Allele origin: germline. Affected: yes. Observed: 2 variant alleles.
Comment: NOS1: PP2, BP4, BS2

Labcorp Genetics (formerly Invitae), Labcorp
Classification: Likely benign. Last evaluated: 2019-12-31. Review status: criteria provided, single submitter. Criteria: Invitae Variant Classification Sherloc (09022015). Collection method: clinical testing. Allele origin: germline.

Breakthrough Genomics
Classification: Likely benign. Review status: criteria provided, single submitter. Criteria: ACMG Guidelines, 2015. Collection method: not provided. Allele origin: germline. Inheritance: Unknown mechanism. Affected: yes.

PreventionGenetics, part of Exact Sciences
Classification: Benign for NOS1-related condition. Last evaluated: 2019-05-29. Review status: no assertion criteria provided. Collection method: clinical testing. Allele origin: germline. Not counted in ClinVar's aggregate classification.
Comment: This variant is classified as benign based on ACMG/AMP sequence variant interpretation guidelines (Richards et al. 2015 PMID: 25741868, with internal and published modifications).

NM_000620.5(NOS1):c.2591G>A (p.Gly864Asp)

Gene: NOS1 (nitric oxide synthase 1; minus strand). Cytogenetic location: 12q24.22.
Variant type: single nucleotide variant.
Coding change: c.2591G>A on transcript NM_000620.5 (MANE Select); coding-DNA position 2591, G replaced by A.
Protein change: p.Gly864Asp; replaces glycine 864 with aspartic acid.
Molecular consequence: missense variant.
Genome position (GRCh38, 1-based): chr12:117,253,695, C>T on the plus strand (G>A on the coding strand, the complement: NOS1 is on the minus strand). VCF-style: chr12-117253695-C-T. GRCh37 (hg19) VCF-style: chr12-117691500-C-T.
Other names: c.1583G>A, p.Gly528Asp (NM_001204213.2, NM_001204214.2); c.2693G>A, p.Gly898Asp (NM_001204218.2); c.2693G>A (NM_001204218.1); short protein forms G864D, G528D, G898D.
Identifiers: ClinVar variation 788796 (VCV000788796.30), dbSNP rs9658445, ClinGen allele CA6814748.